The following is an entry in ClinVar:

NM_213599.3(ANO5):c.1314A>G (p.Lys438=)

Gene: ANO5 (anoctamin 5; plus strand). Cytogenetic location: 11p14.3.
Variant type: single nucleotide variant.
Coding change: c.1314A>G on transcript NM_213599.3 (MANE Select); coding-DNA position 1314, A replaced by G.
Protein change: p.Lys438=; no amino-acid change (lysine 438 retained).
Molecular consequence: synonymous variant.
Genome position (GRCh38, 1-based): chr11:22,255,504, A>G. VCF-style: chr11-22255504-A-G. GRCh37 (hg19) VCF-style: chr11-22277050-A-G.
Other names: c.1314A>G (NM_213599.2); c.1311A>G, p.Lys437= (NM_001142649.2).
Identifiers: ClinVar variation 1111835 (VCV001111835.11), dbSNP rs764893392, ClinGen allele CA5923194.
Genomic context (GRCh38, chr11:22,255,504, plus strand): 5'-AGAGGAACAGCAGCAGCTTCAGCTGAGACCAGAATTTGAAGCTATGTGTAAACACAGGAA[A>G]TTGAATGCAGTGACTAAGGTAGACTAGAAAACTGTGAAACGGACAGCATATCTCAATGGA-3'
Protein context (NP_998764.1, residues 428-448): PEFEAMCKHR[Lys438=]LNAVTKEMEP

ClinVar aggregate classification (germline): Likely benign. Review status: criteria provided, single submitter (1 of 4 stars). 2 submissions from 2 submitters: Likely benign (1). 1 of the submissions does not count toward it. Last evaluated 2025-12-10.

Conditions:
ANO5-related disorder. Also called: ANO5-related disorders; ANO5-related condition. Identifiers: MedGen CN239193.
Gnathodiaphyseal dysplasia (GDD). Also called: GNATHODIAPHYSEAL SCLEROSIS; OSTEOGENESIS IMPERFECTA WITH UNUSUAL SKELETAL LESIONS. Identifiers: Orphanet 53697, MedGen C1833736, MONDO:0008151, OMIM 166260.
Autosomal recessive limb-girdle muscular dystrophy type 2L (LGMDR12). Also called: MUSCULAR DYSTROPHY, LIMB-GIRDLE, AUTOSOMAL RECESSIVE 12; Limb-Girdle Muscular Dystrophy R12 Anoctamin-5-Related (LGMD-R12); Limb-girdle muscular dystrophy, type 2L. Identifiers: Orphanet 206549, MedGen C1969785, MONDO:0012652, OMIM 611307.

Allele frequency attached by ClinVar (database versions not stated): ExAC 0.00002; gnomAD exomes 0.00002 and 0.00003; TOPMed 0.00002.
gnomAD v4.1: 27 of 1,613,426 alleles (0.0017%); highest among the groups gnomAD compares: Admixed American, 0.01%; no homozygotes.

Submissions (2):

Labcorp Genetics (formerly Invitae), Labcorp
Classification: Likely benign for Autosomal recessive limb-girdle muscular dystrophy type 2L; Gnathodiaphyseal dysplasia. Last evaluated: 2025-12-10. Review status: criteria provided, single submitter. Criteria: Invitae Variant Classification Sherloc (09022015). Collection method: clinical testing. Allele origin: germline.

PreventionGenetics, part of Exact Sciences
Classification: Likely benign for ANO5-related condition. Last evaluated: 2022-05-25. Review status: no assertion criteria provided. Collection method: clinical testing. Allele origin: germline. Not counted in ClinVar's aggregate classification.
Comment: This variant is classified as likely benign based on ACMG/AMP sequence variant interpretation guidelines (Richards et al. 2015 PMID: 25741868, with internal and published modifications).